The following is an entry in ClinVar:

ClinVar aggregate classification (germline): Uncertain significance. Review status: criteria provided, multiple submitters, no conflicts (2 of 4 stars). 2 submissions from 2 submitters: Uncertain significance (2). Last evaluated 2025-04-02.

Conditions:
Inborn genetic diseases. Identifiers: MedGen C0950123, MeSH D030342.
Symmetrical dyschromatosis of extremities (DSH). Also called: RETICULATE ACROPIGMENTATION OF DOHI; SYMMETRIC DYSCHROMATOSIS OF THE EXTREMITIES; Dyschromatosis symmetrica hereditaria; DYSCHROMATOSIS SYMMETRICA HEREDITARIA 1. Identifiers: Orphanet 41, MedGen C0406775, MONDO:0007483, OMIM 127400.
Aicardi-Goutieres syndrome 6 (AGS6). Identifiers: Orphanet 51, MedGen C3539013, MONDO:0014007, OMIM 615010.

Allele frequency attached by ClinVar (database versions not stated): gnomAD exomes below 0.00001; TOPMed 0.00002.
gnomAD v4.1: 2 of 1,607,814 alleles (0.00012%); highest among the groups gnomAD compares: Admixed American, 0.0017%; no homozygotes.

Submissions (2):

Labcorp Genetics (formerly Invitae), Labcorp
Classification: Uncertain significance for Aicardi-Goutieres syndrome 6; Symmetrical dyschromatosis of extremities. Last evaluated: 2025-04-02. Review status: criteria provided, single submitter. Criteria: Invitae Variant Classification Sherloc (09022015). Collection method: clinical testing. Allele origin: germline.
Comment: This sequence change replaces proline, which is neutral and non-polar, with leucine, which is neutral and non-polar, at codon 76 of the ADAR protein (p.Pro76Leu). This variant is present in population databases (no rsID available, gnomAD 0.003%). This variant has not been reported in the literature in individuals affected with ADAR-related conditions. ClinVar contains an entry for this variant (Variation ID: 1439899). An algorithm developed to predict the effect of missense changes on protein structure and function outputs the following: PolyPhen-2: "Probably Damaging". The leucine amino acid residue is found in multiple mammalian species, which suggests that this missense change does not adversely affect protein function. In summary, the available evidence is currently insufficient to determine the role of this variant in disease. Therefore, it has been classified as a Variant of Uncertain Significance.

Ambry Genetics
Classification: Uncertain significance for Inborn genetic diseases. Last evaluated: 2023-12-14. Review status: criteria provided, single submitter. Criteria: Ambry Variant Classification Scheme 2023. Collection method: clinical testing. Allele origin: germline.

NM_001111.5(ADAR):c.227C>T (p.Pro76Leu)

Gene: ADAR (adenosine deaminase RNA specific; minus strand). Cytogenetic location: 1q21.3.
Variant type: single nucleotide variant.
Coding change: c.227C>T on transcript NM_001111.5 (MANE Select); coding-DNA position 227, C replaced by T.
Protein change: p.Pro76Leu; replaces proline 76 with leucine.
Molecular consequence: missense variant. On other transcripts: 5 prime UTR variant (6).
Genome position (GRCh38, 1-based): chr1:154,602,415, G>A on the plus strand (C>T on the coding strand, the complement: ADAR is on the minus strand). VCF-style: chr1-154602415-G-A. GRCh37 (hg19) VCF-style: chr1-154574891-G-A.
Other names: c.-659C>T (NM_001025107.3, NM_001193495.2, NM_001365048.1); c.254C>T, p.Pro85Leu (NM_001365045.1); c.-523C>T (NM_001365046.1, NM_001365047.1, NM_001365049.1); c.227C>T, p.Pro76Leu (NM_015840.4, NM_015841.4); c.227C>T (NM_001111.4); short protein forms P85L, P76L.
Identifiers: ClinVar variation 1439899 (VCV001439899.9), dbSNP rs1181329844, ClinGen allele CA342605574.